The following is an entry in ClinVar:

ClinVar aggregate classification (germline): Likely pathogenic (1 of 4 stars; one submission).

Submission:

Labcorp Genetics (formerly Invitae), Labcorp
Classification: Likely pathogenic. Last evaluated: 2022-07-25. Review status: criteria provided, single submitter. Criteria: Invitae Variant Classification Sherloc (09022015). Collection method: clinical testing. Allele origin: germline.
Comment: This sequence change affects a donor splice site in intron 20 of the PIKFYVE gene. It is expected to disrupt RNA splicing. Variants that disrupt the donor or acceptor splice site typically lead to a loss of protein function (PMID: 16199547), and loss-of-function variants in PIKFYVE are known to be pathogenic (PMID: 15902656, 23288988, 26396486). This variant is not present in population databases (gnomAD no frequency). This variant has not been reported in the literature in individuals affected with PIKFYVE-related conditions. ClinVar contains an entry for this variant (Variation ID: 943526). Algorithms developed to predict the effect of sequence changes on RNA splicing suggest that this variant may disrupt the consensus splice site. In summary, the currently available evidence indicates that the variant is pathogenic, but additional data are needed to prove that conclusively. Therefore, this variant has been classified as Likely Pathogenic.

Literature cited by the submitters: PubMed 16199547; PubMed 15902656; PubMed 23288988; PubMed 26396486.

NM_015040.4(PIKFYVE):c.3618+1G>A

Gene: PIKFYVE (phosphoinositide kinase, FYVE-type zinc finger containing; plus strand). Cytogenetic location: 2q34.
Variant type: single nucleotide variant.
Coding change: c.3618+1G>A on transcript NM_015040.4 (MANE Select); the canonical splice donor site of the intron after coding-DNA position 3618, G replaced by A.
Molecular consequence: splice donor variant.
Genome position (GRCh38, 1-based): chr2:208,326,430, G>A. VCF-style: chr2-208326430-G-A. GRCh37 (hg19) VCF-style: chr2-209191154-G-A.
Identifiers: ClinVar variation 943526 (VCV000943526.8), dbSNP rs1696928201, ClinGen allele CA350115939.